The following is an entry in ClinVar:

ClinVar aggregate classification (germline): Likely benign (0 of 4 stars; one submission).

Conditions:
AGK-related disorder. Also called: AGK-related condition; AGK-related disorders. Identifiers: MedGen CN239194.

Allele frequency attached by ClinVar (database versions not stated): gnomAD exomes below 0.00001; TOPMed below 0.00001; gnomAD 0.00001.
gnomAD v4.1: 4 of 1,614,118 alleles (0.00025%); highest among the groups gnomAD compares: Middle Eastern, 0.033%; no homozygotes.

Submission:

PreventionGenetics, part of Exact Sciences
Classification: Likely benign for AGK-related condition. Last evaluated: 2019-03-18. Review status: no assertion criteria provided. Collection method: clinical testing. Allele origin: germline.
Comment: This variant is classified as likely benign based on ACMG/AMP sequence variant interpretation guidelines (Richards et al. 2015 PMID: 25741868, with internal and published modifications).

NM_018238.4(AGK):c.1110G>A (p.Gln370=)

Gene: AGK (acylglycerol kinase; plus strand). Cytogenetic location: 7q34.
Variant type: single nucleotide variant.
Coding change: c.1110G>A on transcript NM_018238.4 (MANE Select); coding-DNA position 1110, G replaced by A.
Protein change: p.Gln370=; no amino-acid change (glutamine 370 retained).
Molecular consequence: synonymous variant.
Genome position (GRCh38, 1-based): chr7:141,651,588, G>A. VCF-style: chr7-141651588-G-A. GRCh37 (hg19) VCF-style: chr7-141351388-G-A.
Identifiers: ClinVar variation 3057868 (VCV003057868.2), dbSNP rs1797559894, ClinGen allele CA457990490.